The following is an entry in ClinVar:

ClinVar aggregate classification (germline): Likely benign (1 of 4 stars; one submission).

gnomAD v4.1: 14 of 1,613,190 alleles (0.00087%); highest among the groups gnomAD compares: Admixed American, 0.02%; no homozygotes.

Submission:

CeGaT Center for Human Genetics Tuebingen
Classification: Likely benign. Last evaluated: 2026-06-01. Review status: criteria provided, single submitter. Criteria: CeGaT Center For Human Genetics Tuebingen Variant Classification Criteria Version 2. Collection method: clinical testing. Allele origin: germline. Affected: yes. Observed: 1 variant allele.
Comment: NPC1L1: BP4

NM_001101648.2(NPC1L1):c.3300G>A (p.Val1100=)

Gene: NPC1L1 (NPC1 like intracellular cholesterol transporter 1; minus strand). Cytogenetic location: 7p13.
Variant type: single nucleotide variant.
Coding change: c.3300G>A on transcript NM_001101648.2 (MANE Select); coding-DNA position 3300, G replaced by A.
Protein change: p.Val1100=; no amino-acid change (valine 1100 retained).
Molecular consequence: synonymous variant.
Genome position (GRCh38, 1-based): chr7:44,516,922, C>T on the plus strand (G>A on the coding strand, the complement: NPC1L1 is on the minus strand). VCF-style: chr7-44516922-C-T. GRCh37 (hg19) VCF-style: chr7-44556521-C-T.
Other names: c.3381G>A, p.Val1127= (NM_013389.3).
Identifiers: ClinVar variation 4823266 (VCV004823266.4).